The following is an entry in ClinVar:

ClinVar aggregate classification (germline): Uncertain significance (1 of 4 stars; one submission).

Conditions:
Inborn genetic diseases. Identifiers: MedGen C0950123, MeSH D030342.

Submission:

Ambry Genetics
Classification: Uncertain significance for Inborn genetic diseases. Last evaluated: 2023-06-11. Review status: criteria provided, single submitter. Criteria: Ambry Variant Classification Scheme 2023. Collection method: clinical testing. Allele origin: germline.
Comment: The p.V230L variant (also known as c.688G>C), located in coding exon 8 of the ERCC2 gene, results from a G to C substitution at nucleotide position 688. The valine at codon 230 is replaced by leucine, an amino acid with highly similar properties. This amino acid position is conserved. In addition, this alteration is predicted to be deleterious by in silico analysis. Since supporting evidence is limited at this time, the clinical significance of this alteration remains unclear.

NM_000400.4(ERCC2):c.688G>C (p.Val230Leu)

Gene: ERCC2 (ERCC excision repair 2, TFIIH core complex helicase subunit; minus strand). Cytogenetic location: 19q13.32.
Variant type: single nucleotide variant.
Coding change: c.688G>C on transcript NM_000400.4 (MANE Select); coding-DNA position 688, G replaced by C.
Protein change: p.Val230Leu; replaces valine 230 with leucine.
Molecular consequence: missense variant.
Genome position (GRCh38, 1-based): chr19:45,364,454, C>G on the plus strand (G>C on the coding strand, the complement: ERCC2 is on the minus strand). VCF-style: chr19-45364454-C-G. GRCh37 (hg19) VCF-style: chr19-45867712-C-G.
Other names: c.616G>C, p.Val206Leu (NM_001130867.2); short protein forms V206L, V230L.
Identifiers: ClinVar variation 2566708 (VCV002566708.2), dbSNP rs1244316049, ClinGen allele CA406374334.